The following is an entry in ClinVar:

NM_000152.5(GAA):c.1109G>A (p.Gly370Asp)

Gene: GAA (alpha glucosidase; plus strand). Cytogenetic location: 17q25.3.
Variant type: single nucleotide variant.
Coding change: c.1109G>A on transcript NM_000152.5 (MANE Select); coding-DNA position 1109, G replaced by A.
Protein change: p.Gly370Asp; replaces glycine 370 with aspartic acid.
Molecular consequence: missense variant.
Genome position (GRCh38, 1-based): chr17:80,108,522, G>A. VCF-style: chr17-80108522-G-A. GRCh37 (hg19) VCF-style: chr17-78082321-G-A.
Other names: c.1109G>A, p.Gly370Asp (NM_001079803.3, NM_001079804.3, NM_001406741.1 and 1 more transcripts); short protein forms G370D.
Identifiers: ClinVar variation 2689097 (VCV002689097.4), dbSNP rs1555600069, ClinGen allele CA401364969.

ClinVar aggregate classification (germline): Uncertain significance. Review status: criteria provided, multiple submitters, no conflicts (2 of 4 stars). 3 submissions from 3 submitters: Uncertain significance (3). Last evaluated 2026-07-01.

Conditions:
Glycogen storage disease, type II (IOPD). Also called: CARDIOMEGALIA GLYCOGENICA DIFFUSA; GLYCOGENOSIS, GENERALIZED, CARDIAC FORM; GSD II; Glycogen storage disease type 2; Acid maltase deficiency disease; Aglucosidase alfa. Identifiers: Orphanet 365, MedGen C0017921, MONDO:0009290, OMIM 232300.

Submissions (3):

Genomenon, Inc
Classification: Uncertain significance for Glycogen storage disease, type II. Last evaluated: 2026-07-01. Review status: criteria provided, single submitter. Criteria: Genomenon Sequence Variant Interpretation Standards - Updated. Collection method: curation. Allele origin: germline.
Comment: GAA p.Gly370Asp (c.1109G>A) is a missense variant that changes the amino acid at codon 370 from Glycine to Aspartic acid. This variant has been reported in the compound heterozygous and/or homozygous state in at least one individual without a confirmed diagnosis of Pompe disease (PMID:36428004). It is absent or not present at a significant frequency in gnomAD. In silico models predict that this variant is possibly or probably damaging. In conclusion, we classify GAA p.Gly370Asp (c.1109G>A) as a variant of uncertain significance.

Labcorp Genetics (formerly Invitae), Labcorp
Classification: Uncertain significance for Glycogen storage disease, type II. Last evaluated: 2025-11-04. Review status: criteria provided, single submitter. Criteria: Invitae Variant Classification Sherloc (09022015). Collection method: clinical testing. Allele origin: germline.
Comment: This sequence change replaces glycine, which is neutral and non-polar, with aspartic acid, which is acidic and polar, at codon 370 of the GAA protein (p.Gly370Asp). This variant is not present in population databases (gnomAD no frequency). This missense change has been observed in individual(s) with Pompe disease (PMID: 31342611, 33657692). ClinVar contains an entry for this variant (Variation ID: 2689097). Invitae Evidence Modeling of protein sequence and biophysical properties (such as structural, functional, and spatial information, amino acid conservation, physicochemical variation, residue mobility, and thermodynamic stability) indicates that this missense variant is expected to disrupt GAA protein function with a positive predictive value of 95%. In summary, the available evidence is currently insufficient to determine the role of this variant in disease. Therefore, it has been classified as a Variant of Uncertain Significance.

Revvity Omics, Revvity
Classification: Uncertain significance. Last evaluated: 2023-05-10. Review status: criteria provided, single submitter. Criteria: ACMG Guidelines, 2015. Collection method: clinical testing. Allele origin: germline.

Literature cited by the submitters: PubMed 36428004 (cited by Genomenon, Inc); PubMed 31342611 (cited by Labcorp Genetics (formerly Invitae), Labcorp); PubMed 33657692 (cited by Labcorp Genetics (formerly Invitae), Labcorp).